The following is an entry in ClinVar:

NM_015215.4(CAMTA1):c.3953_3973dup (p.Lys1324_Asp1325insValGlyLysTrpAsnSerLys)

Genes: CAMTA1 (calmodulin binding transcription activator 1; plus strand), LOC126805603 (CDK7 strongly-dependent group 2 enhancer GRCh37_chr1:7798026-7799225; plus strand). Cytogenetic location: 1p36.23.
Variant type: Duplication.
Coding change: c.3953_3973dup on transcript NM_015215.4 (MANE Select); coding-DNA positions 3953 to 3973, 21 bases duplicated (TAGGAAAGTGGAATTCCAAAG).
Protein change: p.Lys1324_Asp1325insValGlyLysTrpAsnSerLys.
Molecular consequence: intron variant (on NM_001349609.2).
Genome position (GRCh38, 1-based): chr1:7,738,253-7,738,273, TAGGAAAGTGGAATTCCAAAG duplicated; duplicating any 21 consecutive bases within chr1:7,738,252-7,738,273 gives the same sequence; the c. name uses the placement nearest the transcript's 3' end. VCF-style (leftmost placement, unchanged base first): chr1-7738251-T-TGTAGGAAAGTGGAATTCCAAA. GRCh37 (hg19) VCF-style: chr1-7798311-T-TGTAGGAAAGTGGAATTCCAAA.
Other names: c.3863_3883dup, p.Lys1294_Asp1295insValGlyLysTrpAsnSerLys (NM_001349608.2); c.1082_1102dup, p.Lys367_Asp368insValGlyLysTrpAsnSerLys (NM_001349613.1); c.1025_1045dup, p.Lys348_Asp349insValGlyLysTrpAsnSerLys (NM_001349614.1, NM_001349615.2, NM_001349616.2 and 2 more transcripts); c.3659-45_3659-25dup (NM_001349609.2, NM_001349610.2, NM_001410737.1); c.3587-45_3587-25dup (NM_001410738.1); c.3569-45_3569-25dup (NM_001349612.2); c.731-45_731-25dup (NM_001349620.1, NM_001349621.1, NM_001349625.2 and 5 more transcripts).
Identifiers: ClinVar variation 3770031 (VCV003770031.2).
Genomic context (GRCh38, chr1:7,738,251, plus strand): 5'-CCGGGAACTCTCCCCTCCCACTCCAGAGACTGCAGCATTTCAAGCCTCTGGATCTCAGCC[T>TGTAGGAAAGTGGAATTCCAAA]GTAGGAAAGTGGAATTCCAAAGATCTTTACATTGGTGTGTCTACAGTACAGGTGACTGGA-3'

ClinVar aggregate classification (germline): Uncertain significance (1 of 4 stars; one submission).

Submission:

GeneDx
Classification: Uncertain significance. Last evaluated: 2025-04-10. Review status: criteria provided, single submitter. Criteria: GeneDx Variant Classification Process June 2021. Collection method: clinical testing. Allele origin: germline.
Comment: Not observed at significant frequency in large population cohorts (gnomAD); In-frame duplication of 7 amino acids in a non-repeat region; Has not been previously published as pathogenic or benign to our knowledge